The following is an entry in ClinVar:

NM_000355.4(TCN2):c.112C>G (p.Leu38Val)

Gene: TCN2 (transcobalamin 2; plus strand). Cytogenetic location: 22q12.2.
Variant type: single nucleotide variant.
Coding change: c.112C>G on transcript NM_000355.4 (MANE Select); coding-DNA position 112, C replaced by G.
Protein change: p.Leu38Val; replaces leucine 38 with valine.
Molecular consequence: missense variant.
Genome position (GRCh38, 1-based): chr22:30,610,918, C>G. VCF-style: chr22-30610918-C-G. GRCh37 (hg19) VCF-style: chr22-31006905-C-G.
Other names: c.112C>G, p.Leu38Val (NM_001184726.2); short protein forms L38V.
Identifiers: ClinVar variation 1961179 (VCV001961179.4), dbSNP rs2087529252, ClinGen allele CA411205781.
Genomic context (GRCh38, chr22:30,610,918, plus strand): 5'-TTTCTTTTCTAAGAAATACCAGAGATGGACAGCCATCTGGTAGAGAAGTTGGGCCAGCAC[C>G]TCTTACCTTGGATGGACCGGCTTTCCCTGGAGCACTTGAACCCCAGCATCTATGTGGGCC-3'
Protein context (NP_000346.2, residues 28-48): SHLVEKLGQH[Leu38Val]LPWMDRLSLE

ClinVar aggregate classification (germline): Uncertain significance (1 of 4 stars; one submission).

Conditions:
Transcobalamin II deficiency (TCN2D). Also called: Transcolabamin II deficiency; TC II DEFICIENCY; TCN2 DEFICIENCY. Identifiers: Orphanet 859, MedGen C0342701, MONDO:0010149, OMIM 275350.

Allele frequency attached by ClinVar (database versions not stated): TOPMed below 0.00001.
gnomAD v4.1: 1 of 1,614,220 alleles (0.000062%); highest among the groups gnomAD compares: Non-Finnish European, 0.000085%; no homozygotes.

Submission:

Labcorp Genetics (formerly Invitae), Labcorp
Classification: Uncertain significance for Transcobalamin II deficiency. Last evaluated: 2025-01-06. Review status: criteria provided, single submitter. Criteria: Invitae Variant Classification Sherloc (09022015). Collection method: clinical testing. Allele origin: germline.
Comment: This sequence change replaces leucine, which is neutral and non-polar, with valine, which is neutral and non-polar, at codon 38 of the TCN2 protein (p.Leu38Val). This variant is not present in population databases (gnomAD no frequency). This variant has not been reported in the literature in individuals affected with TCN2-related conditions. ClinVar contains an entry for this variant (Variation ID: 1961179). Invitae Evidence Modeling of protein sequence and biophysical properties (such as structural, functional, and spatial information, amino acid conservation, physicochemical variation, residue mobility, and thermodynamic stability) indicates that this missense variant is expected to disrupt TCN2 protein function with a positive predictive value of 80%. In summary, the available evidence is currently insufficient to determine the role of this variant in disease. Therefore, it has been classified as a Variant of Uncertain Significance.